The following is an entry in ClinVar:

NM_000188.3(HK1):c.1907_1910del (p.Thr635_Leu636insTer)

Gene: HK1 (hexokinase 1; plus strand). Cytogenetic location: 10q22.1.
Variant type: Deletion.
Coding change: c.1907_1910del on transcript NM_000188.3 (MANE Select); coding-DNA positions 1907 to 1910, 4 bases deleted (TACT; older notation c.1907_1910delTACT).
Protein change: p.Thr635_Leu636insTer.
Molecular consequence: nonsense.
Genome position (GRCh38, 1-based): chr10:69,386,390-69,386,393, TACT deleted; deleting any 4 consecutive bases within chr10:69,386,388-69,386,393 gives the same sequence; the c. name uses the placement nearest the transcript's 3' end. VCF-style (leftmost placement, unchanged base first): chr10-69386387-CCTTA-C. GRCh37 (hg19) VCF-style: chr10-71146143-CCTTA-C.
Other names: c.1919_1922del, p.Thr639_Leu640insTer (NM_001322364.2, NM_001358263.1, NM_033497.3 and 1 more transcripts); c.2012_2015del, p.Thr670_Leu671insTer (NM_001322365.2); c.1823_1826del, p.Thr607_Leu608insTer (NM_001322366.1); c.1811_1814del, p.Thr603_Leu604insTer (NM_001322367.1); c.1904_1907del, p.Thr634_Leu635insTer (NM_033496.3); c.1871_1874del, p.Thr623_Leu624insTer (NM_033500.2).
Identifiers: ClinVar variation 1417253 (VCV001417253.6), dbSNP rs747715551, ClinGen allele CA5532720.
Genomic context (GRCh38, chr10:69,386,387, plus strand): 5'-TCTTGATCACGTGGACAAAGGGTTTTAAGGCAACAGACTGCGTGGGCCACGATGTAGTCA[CCTTA>C]CTAAGGGATGCGATAAAAAGGAGAGAGGTAACTATTAAAAGAATGTTTTTTAAAATCTTT-3'

ClinVar aggregate classification (germline): Pathogenic (1 of 4 stars; one submission).

Submission:

Labcorp Genetics (formerly Invitae), Labcorp
Classification: Pathogenic. Last evaluated: 2022-01-14. Review status: criteria provided, single submitter. Criteria: Invitae Variant Classification Sherloc (09022015). Collection method: clinical testing. Allele origin: germline.
Comment: For these reasons, this variant has been classified as Pathogenic. This variant has not been reported in the literature in individuals affected with HK1-related conditions. This variant is present in population databases (rs747715551, gnomAD 0.0009%). This sequence change creates a premature translational stop signal (p.Leu636*) in the HK1 gene. It is expected to result in an absent or disrupted protein product. Loss-of-function variants in HK1 are known to be pathogenic (PMID: 11783948, 12211198, 31119733).

Literature cited by the submitters: PubMed 11783948; PubMed 12211198; PubMed 31119733.